The following is an entry in ClinVar:

NM_001256007.3(PNPLA8):c.7A>G (p.Ile3Val)

Gene: PNPLA8 (patatin like domain 8, phospholipase A2; minus strand). Cytogenetic location: 7q31.1.
Variant type: single nucleotide variant.
Coding change: c.7A>G on transcript NM_001256007.3 (MANE Select); coding-DNA position 7, A replaced by G.
Protein change: p.Ile3Val; replaces isoleucine 3 with valine.
Molecular consequence: missense variant. On other transcripts: intron variant (2).
Genome position (GRCh38, 1-based): chr7:108,515,485, T>C on the plus strand (A>G on the coding strand, the complement: PNPLA8 is on the minus strand). VCF-style: chr7-108515485-T-C. GRCh37 (hg19) VCF-style: chr7-108155929-T-C.
Other names: c.7A>G, p.Ile3Val (NM_001256008.3, NM_001256009.3, NM_015723.5); c.-256-38A>G (NM_001256011.3, NM_001256010.3); c.7A>G (NM_015723.2); short protein forms I3V.
Identifiers: ClinVar variation 2728833 (VCV002728833.2), dbSNP rs767804992, ClinGen allele CA4439903.

ClinVar aggregate classification (germline): Uncertain significance. Review status: criteria provided, multiple submitters, no conflicts (2 of 4 stars). 2 submissions from 2 submitters: Uncertain significance (2). Last evaluated 2025-02-08.

Conditions:
Inborn genetic diseases. Identifiers: MedGen C0950123, MeSH D030342.

Allele frequency attached by ClinVar (database versions not stated): TOPMed below 0.00001; gnomAD 0.00001; gnomAD exomes 0.00005; ExAC 0.00014.
gnomAD v4.1: 66 of 1,435,050 alleles (0.0046%); highest among the groups gnomAD compares: South Asian, 0.083%; 1 homozygote.

Submissions (2):

Ambry Genetics
Classification: Uncertain significance for Inborn genetic diseases. Last evaluated: 2025-02-08. Review status: criteria provided, single submitter. Criteria: Ambry Variant Classification Scheme 2023. Collection method: clinical testing. Allele origin: germline.

Labcorp Genetics (formerly Invitae), Labcorp
Classification: Uncertain significance. Last evaluated: 2023-03-17. Review status: criteria provided, single submitter. Criteria: Invitae Variant Classification Sherloc (09022015). Collection method: clinical testing. Allele origin: germline.
Comment: In summary, the available evidence is currently insufficient to determine the role of this variant in disease. Therefore, it has been classified as a Variant of Uncertain Significance. Algorithms developed to predict the effect of missense changes on protein structure and function output the following: SIFT: "Not Available"; PolyPhen-2: "Benign"; Align-GVGD: "Not Available". The valine amino acid residue is found in multiple mammalian species, which suggests that this missense change does not adversely affect protein function. This variant has not been reported in the literature in individuals affected with PNPLA8-related conditions. This variant is present in population databases (rs767804992, gnomAD 0.1%). This sequence change replaces isoleucine, which is neutral and non-polar, with valine, which is neutral and non-polar, at codon 3 of the PNPLA8 protein (p.Ile3Val).